The following is an entry in ClinVar:

NM_001040167.2(LFNG):c.715C>T (p.Arg239Trp)

Gene: LFNG (LFNG O-fucosylpeptide 3-beta-N-acetylglucosaminyltransferase; plus strand). Cytogenetic location: 7p22.3.
Variant type: single nucleotide variant.
Coding change: c.715C>T on transcript NM_001040167.2 (MANE Select); coding-DNA position 715, C replaced by T.
Protein change: p.Arg239Trp; replaces arginine 239 with tryptophan.
Molecular consequence: missense variant.
Genome position (GRCh38, 1-based): chr7:2,525,547, C>T. VCF-style: chr7-2525547-C-T. GRCh37 (hg19) VCF-style: chr7-2565181-C-T.
Other names: c.715C>T, p.Arg239Trp (NM_001040168.2); c.502C>T, p.Arg168Trp (NM_001166355.2); c.328C>T, p.Arg110Trp (NM_002304.3); short protein forms R168W, R239W, R110W.
Identifiers: ClinVar variation 665982 (VCV000665982.5), dbSNP rs143479850, ClinGen allele CA4127077.
Genomic context (GRCh38, chr7:2,525,547, plus strand): 5'-CACACGCGGGACGTCTACGTCGGCAAGCCCAGCCTGGACAGGCCCATCCAGGCCATGGAG[C>T]GGGTCAGCGAGAACAAGGTGGTGAGTGCCTGCCCCTCCCAGTCCCCCACGCCCACGCGGA-3'
Protein context (NP_001035257.1, residues 229-249): SLDRPIQAME[Arg239Trp]VSENKVRPVH

ClinVar aggregate classification (germline): Uncertain significance. Review status: criteria provided, multiple submitters, no conflicts (2 of 4 stars). 2 submissions from 2 submitters: Uncertain significance (2). Last evaluated 2024-10-15.

Conditions:
Spondylocostal dysostosis 3, autosomal recessive (SCDO3). Also called: LFNG-Related Spondylocostal Dysostosis, Autosomal Recessive. Identifiers: Orphanet 2311, MedGen C1853296, MONDO:0012349, OMIM 609813.
Inborn genetic diseases. Identifiers: MedGen C0950123, MeSH D030342.

Allele frequency attached by ClinVar (database versions not stated): ExAC 0.00012; ESP Exome Variant Server 0.00015; gnomAD 0.00019; gnomAD exomes 0.00020; TOPMed 0.00026.
gnomAD v4.1: 201 of 1,612,232 alleles (0.012%); highest among the groups gnomAD compares: Middle Eastern, 0.082%; no homozygotes.

Submissions (2):

Labcorp Genetics (formerly Invitae), Labcorp
Classification: Uncertain significance for Spondylocostal dysostosis 3, autosomal recessive. Last evaluated: 2024-10-15. Review status: criteria provided, single submitter. Criteria: Invitae Variant Classification Sherloc (09022015). Collection method: clinical testing. Allele origin: germline.
Comment: This sequence change replaces arginine, which is basic and polar, with tryptophan, which is neutral and slightly polar, at codon 239 of the LFNG protein (p.Arg239Trp). This variant is present in population databases (rs143479850, gnomAD 0.2%). This variant has not been reported in the literature in individuals affected with LFNG-related conditions. ClinVar contains an entry for this variant (Variation ID: 665982). Invitae Evidence Modeling of protein sequence and biophysical properties (such as structural, functional, and spatial information, amino acid conservation, physicochemical variation, residue mobility, and thermodynamic stability) indicates that this missense variant is not expected to disrupt LFNG protein function with a negative predictive value of 80%. In summary, the available evidence is currently insufficient to determine the role of this variant in disease. Therefore, it has been classified as a Variant of Uncertain Significance.

Ambry Genetics
Classification: Uncertain significance for Inborn genetic diseases. Last evaluated: 2021-09-16. Review status: criteria provided, single submitter. Criteria: Ambry Variant Classification Scheme 2023. Collection method: clinical testing. Allele origin: germline.